The following is an entry in ClinVar:

NM_002693.3(POLG):c.3705C>T (p.Ser1235=)

Genes: FANCI (FA complementation group I; plus strand), POLG (DNA polymerase gamma, catalytic subunit; minus strand). Cytogenetic location: 15q26.1.
Variant type: single nucleotide variant.
Coding change: c.3705C>T on transcript NM_002693.3 (MANE Select); coding-DNA position 3705, C replaced by T.
Protein change: p.Ser1235=; no amino-acid change (serine 1235 retained).
Molecular consequence: synonymous variant. On other transcripts: 3 prime UTR variant (4).
Genome position (GRCh38, 1-based): chr15:89,316,766, G>A on the plus strand (C>T on the coding strand, the complement: POLG is on the minus strand). VCF-style: chr15-89316766-G-A. GRCh37 (hg19) VCF-style: chr15-89859997-G-A.
Other names: c.3705C>T, p.Ser1235= (NM_001126131.2); c.*307G>A (NM_001113378.2, NM_001376910.1, NM_001376911.1 and 1 more transcripts).
Identifiers: ClinVar variation 2799126 (VCV002799126.4), dbSNP rs781498180, ClinGen allele CA7724035.

ClinVar aggregate classification (germline): Likely benign. Review status: criteria provided, multiple submitters, no conflicts (2 of 4 stars). 2 submissions from 2 submitters: Likely benign (2). Last evaluated 2024-12-13.

Conditions:
Progressive sclerosing poliodystrophy (MTDPS4A). Also called: NEURONAL DEGENERATION OF CHILDHOOD WITH LIVER DISEASE, PROGRESSIVE; Mitochondrial DNA Depletion Syndrome 4A; Alpers-Huttenlocher Syndrome (AHS); ALPERS PROGRESSIVE INFANTILE POLIODYSTROPHY; Alpers Syndrome; Mitochondrial DNA depletion syndrome 4A (Alpers type). Identifiers: Orphanet 726, MedGen C0205710, MONDO:0008758, OMIM 203700.
POLG-related disorder. Also called: POLG-related condition; POLG-Related Disorders; POLG-Related Spectrum Disorders. Identifiers: MedGen C4763519.

Allele frequency attached by ClinVar (database versions not stated): ExAC 0.00001.
gnomAD v4.1: 4 of 1,613,382 alleles (0.00025%); highest among the groups gnomAD compares: Admixed American, 0.0033%; no homozygotes.

Submissions (2):

PreventionGenetics, part of Exact Sciences
Classification: Likely benign for POLG-related condition. Last evaluated: 2024-12-13. Review status: criteria provided, single submitter. Criteria: ACMG Guidelines, 2015. Collection method: clinical testing. Allele origin: germline.
Comment: This variant is classified as likely benign based on ACMG/AMP sequence variant interpretation guidelines (Richards et al. 2015 PMID: 25741868, with internal and published modifications).

Labcorp Genetics (formerly Invitae), Labcorp
Classification: Likely benign for Progressive sclerosing poliodystrophy. Last evaluated: 2024-08-13. Review status: criteria provided, single submitter. Criteria: Invitae Variant Classification Sherloc (09022015). Collection method: clinical testing. Allele origin: germline.